The following is an entry in ClinVar:

ClinVar aggregate classification (germline): Uncertain significance. Review status: criteria provided, multiple submitters, no conflicts (2 of 4 stars). 3 submissions from 3 submitters: Uncertain significance (2). 1 of the submissions does not count toward it. Last evaluated 2025-09-30.

Conditions:
Atypical hemolytic-uremic syndrome with C3 anomaly. Also called: AHUS, SUSCEPTIBILITY TO, 5. Identifiers: Orphanet 2134, MedGen C2752037, MONDO:0013043, OMIM 612925.
C3 glomerulonephritis. Also called: C3 GLOMERULOPATHY 3; Nephropathy due to CFHR5 Deficiency. Identifiers: Orphanet 329931, MedGen C4055342, MONDO:0013892, OMIM 614809.

Allele frequency attached by ClinVar (database versions not stated): TOPMed below 0.00001; gnomAD 0.00001; gnomAD exomes 0.00001.
gnomAD v4.1: 13 of 1,613,180 alleles (0.00081%); highest among the groups gnomAD compares: Admixed American, 0.0017%; no homozygotes.

Submissions (3):

Genomenon, Inc
Classification: Uncertain significance for C3 glomerulonephritis. Last evaluated: 2025-09-30. Review status: criteria provided, single submitter. Criteria: Genomenon Sequence Variant Interpretation Standards. Collection method: curation. Allele origin: germline. Affected: yes.
Comment: C3 p.Arg1512Cys (c.4534C>T) is a missense variant that changes the amino acid at residue 1512 from Arginine to Cysteine. This variant has been observed in at least one proband affected with C3 glomerulonephritis (PMID:30773290). It is absent or not present at a significant frequency in gnomAD. In conclusion, we classify C3 p.Arg1512Cys (c.4534C>T) as a variant of unknown significance.

Labcorp Genetics (formerly Invitae), Labcorp
Classification: Uncertain significance. Last evaluated: 2024-11-11. Review status: criteria provided, single submitter. Criteria: Invitae Variant Classification Sherloc (09022015). Collection method: clinical testing. Allele origin: germline.
Comment: This sequence change replaces arginine, which is basic and polar, with cysteine, which is neutral and slightly polar, at codon 1512 of the C3 protein (p.Arg1512Cys). This variant is present in population databases (no rsID available, gnomAD 0.003%). This missense change has been observed in individual(s) with C3 glomerulonephritis (PMID: 30773290). ClinVar contains an entry for this variant (Variation ID: 1344660). Invitae Evidence Modeling of protein sequence and biophysical properties (such as structural, functional, and spatial information, amino acid conservation, physicochemical variation, residue mobility, and thermodynamic stability) indicates that this missense variant is expected to disrupt C3 protein function with a positive predictive value of 80%. In summary, the available evidence is currently insufficient to determine the role of this variant in disease. Therefore, it has been classified as a Variant of Uncertain Significance.

Yale Center for Mendelian Genomics, Yale University
Classification: Likely pathogenic for Atypical hemolytic-uremic syndrome with C3 anomaly. Last evaluated: 2019-02-14. Review status: no assertion criteria provided. Collection method: literature only. Allele origin: germline. Affected: yes. Observed: 2 heterozygotes. Study: Yale Center for Mendelian Genomics. Not counted in ClinVar's aggregate classification.

Literature cited by the submitters: PubMed 30773290 (cited by 3 submitters).

NM_000064.4(C3):c.4534C>T (p.Arg1512Cys)

Gene: C3 (complement C3; minus strand). Cytogenetic location: 19p13.3.
Variant type: single nucleotide variant.
Coding change: c.4534C>T on transcript NM_000064.4 (MANE Select); coding-DNA position 4534, C replaced by T.
Protein change: p.Arg1512Cys; replaces arginine 1512 with cysteine.
Molecular consequence: missense variant.
Genome position (GRCh38, 1-based): chr19:6,679,419, G>A on the plus strand (C>T on the coding strand, the complement: C3 is on the minus strand). VCF-style: chr19-6679419-G-A. GRCh37 (hg19) VCF-style: chr19-6679430-G-A.
Other names: short protein forms R1512C.
Identifiers: ClinVar variation 1344660 (VCV001344660.4), dbSNP rs1408701335, ClinGen allele CA403612610.